The following is an entry in ClinVar:

ClinVar aggregate classification (germline): Uncertain significance. Review status: criteria provided, multiple submitters, no conflicts (2 of 4 stars). 2 submissions from 2 submitters: Uncertain significance (2). Last evaluated 2025-11-13.

Conditions:
Hereditary hemorrhagic telangiectasia (HHT). Also called: ORW DISEASE; Osler Weber Rendu syndrome; OSLER-RENDU-WEBER DISEASE; Osler hemorrhagic telangiectasia syndrome. Identifiers: Orphanet 774, MedGen C0039445, MONDO:0019180. Disease mechanism: loss of function.

Submissions (2):

Mayo Clinic Laboratories, Mayo Clinic
Classification: Uncertain significance. Last evaluated: 2025-11-13. Review status: criteria provided, single submitter. Criteria: ACMG Guidelines, 2015. Collection method: clinical testing. Allele origin: germline. Observed: 1 variant allele.
Comment: PM2_supporting

Labcorp Genetics (formerly Invitae), Labcorp
Classification: Uncertain significance for Hereditary hemorrhagic telangiectasia. Last evaluated: 2023-05-23. Review status: criteria provided, single submitter. Criteria: Invitae Variant Classification Sherloc (09022015). Collection method: clinical testing. Allele origin: germline.
Comment: This sequence change replaces leucine, which is neutral and non-polar, with proline, which is neutral and non-polar, at codon 162 of the ENG protein (p.Leu162Pro). This variant is not present in population databases (gnomAD no frequency). This missense change has been observed in individual(s) with hereditary hemorrhagic telangiectasia (Invitae). ClinVar contains an entry for this variant (Variation ID: 1479631). Advanced modeling of protein sequence and biophysical properties (such as structural, functional, and spatial information, amino acid conservation, physicochemical variation, residue mobility, and thermodynamic stability) performed at Invitae indicates that this missense variant is expected to disrupt ENG protein function. This variant disrupts the p.Leu162 amino acid residue in ENG. Other variant(s) that disrupt this residue have been observed in individuals with ENG-related conditions (PMID: 25312062), which suggests that this may be a clinically significant amino acid residue. In summary, the available evidence is currently insufficient to determine the role of this variant in disease. Therefore, it has been classified as a Variant of Uncertain Significance.

Literature cited by the submitters: PubMed 25312062 (cited by Mayo Clinic Laboratories, Mayo Clinic and Labcorp Genetics (formerly Invitae), Labcorp).

NM_001114753.3(ENG):c.485T>C (p.Leu162Pro)

Gene: ENG (endoglin; minus strand). Cytogenetic location: 9q34.11.
Variant type: single nucleotide variant.
Coding change: c.485T>C on transcript NM_001114753.3 (MANE Select); coding-DNA position 485, T replaced by C.
Protein change: p.Leu162Pro; replaces leucine 162 with proline.
Molecular consequence: missense variant. On other transcripts: 5 prime UTR variant (1).
Genome position (GRCh38, 1-based): chr9:127,826,548, A>G on the plus strand (T>C on the coding strand, the complement: ENG is on the minus strand). VCF-style: chr9-127826548-A-G. GRCh37 (hg19) VCF-style: chr9-130588827-A-G.
Other names: p.Leu162Pro; c.485T>C, p.Leu162Pro (NM_000118.4, NM_001406715.1); c.-62T>C (NM_001278138.2); short protein forms L162P.
Identifiers: ClinVar variation 1479631 (VCV001479631.8), dbSNP rs2131890481, ClinGen allele CA374984172.